The following is an entry in ClinVar:

NM_001017995.3(SH3PXD2B):c.1600G>A (p.Gly534Arg)

Gene: SH3PXD2B (SH3 and PX domains 2B; minus strand). Cytogenetic location: 5q35.1.
Variant type: single nucleotide variant.
Coding change: c.1600G>A on transcript NM_001017995.3 (MANE Select); coding-DNA position 1600, G replaced by A.
Protein change: p.Gly534Arg; replaces glycine 534 with arginine.
Molecular consequence: missense variant. On other transcripts: intron variant (1).
Genome position (GRCh38, 1-based): chr5:172,339,505, C>T on the plus strand (G>A on the coding strand, the complement: SH3PXD2B is on the minus strand). VCF-style: chr5-172339505-C-T. GRCh37 (hg19) VCF-style: chr5-171766509-C-T.
Other names: c.1188+6631G>A (NM_001308175.2); short protein forms G534R.
Identifiers: ClinVar variation 1514497 (VCV001514497.6), dbSNP rs1756799495, ClinGen allele CA362147535.

ClinVar aggregate classification (germline): Uncertain significance (1 of 4 stars; one submission).

Submission:

Labcorp Genetics (formerly Invitae), Labcorp
Classification: Uncertain significance. Last evaluated: 2022-08-15. Review status: criteria provided, single submitter. Criteria: Invitae Variant Classification Sherloc (09022015). Collection method: clinical testing. Allele origin: germline.
Comment: This sequence change replaces glycine, which is neutral and non-polar, with arginine, which is basic and polar, at codon 534 of the SH3PXD2B protein (p.Gly534Arg). This variant is not present in population databases (gnomAD no frequency). In summary, the available evidence is currently insufficient to determine the role of this variant in disease. Therefore, it has been classified as a Variant of Uncertain Significance. Algorithms developed to predict the effect of missense changes on protein structure and function are either unavailable or do not agree on the potential impact of this missense change (SIFT: "Tolerated"; PolyPhen-2: "Possibly Damaging"; Align-GVGD: "Class C0"). ClinVar contains an entry for this variant (Variation ID: 1514497). This variant has not been reported in the literature in individuals affected with SH3PXD2B-related conditions.